The following is an entry in ClinVar:

ClinVar aggregate classification (germline): Benign. Review status: criteria provided, multiple submitters, no conflicts (2 of 4 stars). 2 submissions from 2 submitters: Benign (2). Last evaluated 2026-02-04.

Conditions:
Sulfite oxidase deficiency due to molybdenum cofactor deficiency type A. Also called: Molybdenum Cofactor Deficiency A; Molybdenum cofactor deficiency, complementation group A. Identifiers: Orphanet 308386, Orphanet 833, MedGen C1854988, MONDO:0009643, OMIM 252150.

Allele frequency attached by ClinVar (database versions not stated): gnomAD exomes 0.02079; ExAC 0.02220; ESP Exome Variant Server 0.03581; gnomAD 0.03639; 1000 Genomes Project 30x 0.03670; 1000 Genomes Project 0.03734; TOPMed 0.04026.

Submissions (2):

Labcorp Genetics (formerly Invitae), Labcorp
Classification: Benign for Sulfite oxidase deficiency due to molybdenum cofactor deficiency type A. Last evaluated: 2026-02-04. Review status: criteria provided, single submitter. Criteria: Invitae Variant Classification Sherloc (09022015). Collection method: clinical testing. Allele origin: germline.

Illumina Laboratory Services, Illumina
Classification: Benign for Sulfite oxidase deficiency due to molybdenum cofactor deficiency type A. Last evaluated: 2018-01-13. Review status: criteria provided, single submitter. Criteria: ICSL Variant Classification Criteria 13 December 2019. Collection method: clinical testing. Allele origin: germline.
Comment: This variant was observed in the ICSL laboratory as part of a predisposition screen in an ostensibly healthy population. It had not been previously curated by ICSL or reported in the Human Gene Mutation Database (HGMD: prior to June 1st, 2018), and was therefore a candidate for classification through an automated scoring system. Utilizing variant allele frequency, disease prevalence and penetrance estimates, and inheritance mode, an automated score was calculated to assess if this variant is too frequent to cause the disease. Based on the score and internal cut-off values, a variant classified as benign is not then subjected to further curation. The score for this variant resulted in a classification of benign for this disease.

NM_001358530.2(MOCS1):c.1169C>A (p.Pro390His)

Gene: MOCS1 (molybdenum cofactor synthesis 1; minus strand). Cytogenetic location: 6p21.2.
Variant type: single nucleotide variant.
Coding change: c.1169C>A on transcript NM_001358530.2 (MANE Select); coding-DNA position 1169, C replaced by A.
Protein change: p.Pro390His; replaces proline 390 with histidine.
Molecular consequence: missense variant. On other transcripts: 3 prime UTR variant (4), non-coding transcript variant (1).
Genome position (GRCh38, 1-based): chr6:39,907,099, G>T on the plus strand (C>A on the coding strand, the complement: MOCS1 is on the minus strand). VCF-style: chr6-39907099-G-T. GRCh37 (hg19) VCF-style: chr6-39874875-G-T.
Other names: c.*26C>A (NM_001075098.4, NM_001358533.2, NM_001358534.2 and 1 more transcripts); c.1121C>A, p.Pro374His (NM_001358529.2); c.908C>A, p.Pro303His (NM_001358531.2); short protein forms P303H, P374H, P390H.
Identifiers: ClinVar variation 356653 (VCV000356653.12), dbSNP rs11969769, ClinGen allele CA3795997.